The following is an entry in ClinVar:

ClinVar aggregate classification (germline): Likely benign. Review status: criteria provided, multiple submitters, no conflicts (2 of 4 stars). 2 submissions from 2 submitters: Likely benign (2). Last evaluated 2024-11-27.

Conditions:
BBS5-related disorder. Also called: BBS5-related condition.
Bardet-Biedl syndrome (BBS). Identifiers: Orphanet 110, MedGen C0752166, MONDO:0015229.

Allele frequency attached by ClinVar (database versions not stated): ExAC 0.00001; gnomAD 0.00001; gnomAD exomes 0.00001.
gnomAD v4.1: 10 of 1,555,450 alleles (0.00064%); highest among the groups gnomAD compares: Non-Finnish European, 0.00089%; no homozygotes.

Submissions (2):

PreventionGenetics, part of Exact Sciences
Classification: Likely benign for BBS5-related condition. Last evaluated: 2024-11-27. Review status: criteria provided, single submitter. Criteria: ACMG Guidelines, 2015. Collection method: clinical testing. Allele origin: germline.
Comment: This variant is classified as likely benign based on ACMG/AMP sequence variant interpretation guidelines (Richards et al. 2015 PMID: 25741868, with internal and published modifications).

Labcorp Genetics (formerly Invitae), Labcorp
Classification: Likely benign for Bardet-Biedl syndrome. Last evaluated: 2023-02-26. Review status: criteria provided, single submitter. Criteria: Invitae Variant Classification Sherloc (09022015). Collection method: clinical testing. Allele origin: germline.

NM_152384.3(BBS5):c.681+9T>C

Gene: BBS5 (Bardet-Biedl syndrome 5; plus strand). Cytogenetic location: 2q31.1.
Variant type: single nucleotide variant.
Coding change: c.681+9T>C on transcript NM_152384.3 (MANE Select); 9 bases into the intron after coding-DNA position 681, T replaced by C.
Molecular consequence: intron variant.
Genome position (GRCh38, 1-based): chr2:169,497,698, T>C. VCF-style: chr2-169497698-T-C. GRCh37 (hg19) VCF-style: chr2-170354208-T-C.
Other names: c.681+9T>C (NM_152384.2).
Identifiers: ClinVar variation 1589658 (VCV001589658.9), dbSNP rs751819870, ClinGen allele CA1956274.